The following is an entry in ClinVar:

ClinVar aggregate classification (germline): Likely benign (0 of 4 stars; one submission).

Conditions:
NECTIN2-related disorder. Also called: NECTIN2-related condition.

Allele frequency attached by ClinVar (database versions not stated): gnomAD exomes below 0.00001; TOPMed 0.00002.

Submission:

PreventionGenetics, part of Exact Sciences
Classification: Likely benign for NECTIN2-related condition. Last evaluated: 2019-09-19. Review status: no assertion criteria provided. Collection method: clinical testing. Allele origin: germline.
Comment: This variant is classified as likely benign based on ACMG/AMP sequence variant interpretation guidelines (Richards et al. 2015 PMID: 25741868, with internal and published modifications).

NM_001042724.2(NECTIN2):c.363G>A (p.Gln121=)

Gene: NECTIN2 (nectin cell adhesion molecule 2; plus strand). Cytogenetic location: 19q13.32.
Variant type: single nucleotide variant.
Coding change: c.363G>A on transcript NM_001042724.2 (MANE Select); coding-DNA position 363, G replaced by A.
Protein change: p.Gln121=; no amino-acid change (glutamine 121 retained).
Molecular consequence: synonymous variant.
Genome position (GRCh38, 1-based): chr19:44,865,545, G>A. VCF-style: chr19-44865545-G-A. GRCh37 (hg19) VCF-style: chr19-45368802-G-A.
Other names: c.363G>A, p.Gln121= (NM_002856.3).
Identifiers: ClinVar variation 3040452 (VCV003040452.2), dbSNP rs1279274056, ClinGen allele CA507947134.